The following is an entry in ClinVar:

NM_001378615.1(CC2D2A):c.2625G>C (p.Ser875=)

Genes: CC2D2A (coiled-coil and C2 domain containing 2A; plus strand), FBXL5 (F-box and leucine rich repeat protein 5; minus strand). Cytogenetic location: 4p15.32.
Variant type: single nucleotide variant.
Coding change: c.2625G>C on transcript NM_001378615.1 (MANE Select); coding-DNA position 2625, G replaced by C.
Protein change: p.Ser875=; no amino-acid change (serine 875 retained).
Molecular consequence: synonymous variant.
Genome position (GRCh38, 1-based): chr4:15,555,210, G>C. VCF-style: chr4-15555210-G-C. GRCh37 (hg19) VCF-style: chr4-15556833-G-C.
Other names: c.2625G>C, p.Ser875= (NM_001080522.2); c.2478G>C, p.Ser826= (NM_001378617.1).
Identifiers: ClinVar variation 1350580 (VCV001350580.9), dbSNP rs765873247, ClinGen allele CA438389068.

ClinVar aggregate classification (germline): Conflicting classifications of pathogenicity. Review status: criteria provided, conflicting classifications (1 of 4 stars). 2 submissions from 2 submitters: Likely pathogenic (1); Uncertain significance (1). Last evaluated 2024-06-12.

Conditions:
Joubert syndrome 9 (JBTS9). Identifiers: Orphanet 2318, MedGen C2676788, MONDO:0012849, OMIM 612285.
COACH syndrome 2. Identifiers: MedGen C5436837, MONDO:0030859, OMIM 619111.
Meckel syndrome, type 6. Identifiers: Orphanet 564, MedGen C2676790, MONDO:0012848, OMIM 612284.
Retinitis pigmentosa 93. Identifiers: MedGen C5676970, MONDO:0030797, OMIM 619845.
Joubert syndrome. Also called: JOUBERT-BOLTSHAUSER SYNDROME; Familial aplasia of the vermis. Identifiers: Orphanet 475, MedGen C5979921, MONDO:0018772.
Meckel-Gruber syndrome. Also called: DYSENCEPHALIA SPLANCHNOCYSTICA; GRUBER SYNDROME; Dysencephalia splachnocystica. Identifiers: Orphanet 564, MedGen C0265215, MONDO:0018921.

Submissions (2):

Fulgent Genetics
Classification: Likely pathogenic for Meckel syndrome, type 6; Joubert syndrome 9; COACH syndrome 2; Retinitis pigmentosa 93. Last evaluated: 2024-06-12. Review status: criteria provided, single submitter. Criteria: ACMG Guidelines, 2015. Collection method: clinical testing. Allele origin: germline.

Labcorp Genetics (formerly Invitae), Labcorp
Classification: Uncertain significance for Joubert syndrome; Meckel-Gruber syndrome. Last evaluated: 2021-05-30. Review status: criteria provided, single submitter. Criteria: Invitae Variant Classification Sherloc (09022015). Collection method: clinical testing. Allele origin: germline.
Comment: This sequence change affects codon 875 of the CC2D2A mRNA. It is a 'silent' change, meaning that it does not change the encoded amino acid sequence of the CC2D2A protein. This variant also falls at the last nucleotide of exon 21, which is part of the consensus splice site for this exon. This variant is not present in population databases (ExAC no frequency). This variant has not been reported in the literature in individuals with CC2D2A-related conditions. Nucleotide substitutions within the consensus splice site are a relatively common cause of aberrant splicing (PMID: 17576681, 9536098). Algorithms developed to predict the effect of sequence changes on RNA splicing suggest that this variant may disrupt the consensus splice site, but this prediction has not been confirmed by published transcriptional studies. This variant disrupts the c.2625G nucleotide in the CC2D2A gene. Other variant(s) that disrupt this nucleotide have been determined to be pathogenic (Invitae). This suggests that this nucleotide is clinically significant, and that variants that disrupt this position are likely to be disease-causing. In summary, the available evidence is currently insufficient to determine the role of this variant in disease. Therefore, it has been classified as a Variant of Uncertain Significance.

Literature cited by the submitters: PubMed 17576681 (cited by Labcorp Genetics (formerly Invitae), Labcorp); PubMed 9536098 (cited by Labcorp Genetics (formerly Invitae), Labcorp).